The following is an entry in ClinVar:

NM_000180.4(GUCY2D):c.721G>C (p.Ala241Pro)

Gene: GUCY2D (guanylate cyclase 2D, retinal; plus strand). Cytogenetic location: 17p13.1.
Variant type: single nucleotide variant.
Coding change: c.721G>C on transcript NM_000180.4 (MANE Select); coding-DNA position 721, G replaced by C.
Protein change: p.Ala241Pro; replaces alanine 241 with proline.
Molecular consequence: missense variant.
Genome position (GRCh38, 1-based): chr17:8,003,768, G>C. VCF-style: chr17-8003768-G-C. GRCh37 (hg19) VCF-style: chr17-7907086-G-C.
Other names: short protein forms A241P.
Identifiers: ClinVar variation 3896662 (VCV003896662.2).
Genomic context (GRCh38, chr17:8,003,768, plus strand): 5'-TTGGACCTGTCTGGAGCCCGGGAGGCCCTGAGGAAGGTTCGGGACGGGCCCAGGGTCACA[G>C]GTAGGCTCCCTTGCAGGGTGCGAGGAGGTCGGCTGGTCCTGCCGGCAGCCGGACGGCGCC-3'
Protein context (NP_000171.1, residues 231-251): RKVRDGPRVT[Ala241Pro]VIMVMHSVLL

ClinVar aggregate classification (germline): Uncertain significance (1 of 4 stars; one submission).

gnomAD v4.1: 2 of 1,600,052 alleles (0.00012%); highest among the groups gnomAD compares: Non-Finnish European, 0.00017%; no homozygotes.

Submission:

Women's Health and Genetics/Laboratory Corporation of America, LabCorp
Classification: Uncertain significance. Last evaluated: 2025-04-23. Review status: criteria provided, single submitter. Criteria: LabCorp Variant Classification Summary - May 2015. Collection method: clinical testing. Allele origin: germline.
Comment: Variant summary: GUCY2D c.721G>C (p.Ala241Pro) results in a non-conservative amino acid change in the encoded protein sequence at the last nucleotide position of exon 2 adjacent to the exon 2 / intron 2 5' splice donor site. Five of five in-silico tools predict a damaging effect of the variant on protein function. Several computational tools predict a significant impact on normal splicing: Four predict the variant weakens a 5' donor site. However, these predictions have yet to be confirmed by functional studies. The variant allele was found at a frequency of 8.8e-06 in 228418 control chromosomes. The available data on variant occurrences in the general population are insufficient to allow any conclusion about variant significance. c.721G>C has been observed in at least one compound heterozygous individual affected with Leber Congenital Amaurosis (e.g. Wang_2016). These data do not allow any conclusion about variant significance. To our knowledge, no experimental evidence demonstrating an impact on protein function has been reported. The following publication has been ascertained in the context of this evaluation (PMID: 27422788). No submitters have cited clinical-significance assessments for this variant to ClinVar. Based on the evidence outlined above, the variant was classified as uncertain significance.

Literature cited by the submitters: PubMed 27422788.